The following is an entry in ClinVar:

NM_015001.3(SPEN):c.7838T>A (p.Val2613Asp)

Gene: SPEN (spen family transcriptional repressor; plus strand). Cytogenetic location: 1p36.13.
Variant type: single nucleotide variant.
Coding change: c.7838T>A on transcript NM_015001.3 (MANE Select); coding-DNA position 7838, T replaced by A.
Protein change: p.Val2613Asp; replaces valine 2613 with aspartic acid.
Molecular consequence: missense variant.
Genome position (GRCh38, 1-based): chr1:15,934,078, T>A. VCF-style: chr1-15934078-T-A. GRCh37 (hg19) VCF-style: chr1-16260573-T-A.
Other names: short protein forms V2613D.
Identifiers: ClinVar variation 5005008 (VCV005005008.2).
Genomic context (GRCh38, chr1:15,934,078, plus strand): 5'-ACTCTGAGATACAAGCCTCGGAGGTGCTGGTAGCTGCTGACAAGGAAAAGGTGGCTCCAG[T>A]CATTGCTCCCAAAATTACCTCTGTTATTAGCCGGATGCCTGTCAGCATTGACCTGGAAAA-3'
Protein context (NP_055816.2, residues 2603-2623): VAADKEKVAP[Val2613Asp]IAPKITSVIS

ClinVar aggregate classification (germline): Uncertain significance (1 of 4 stars; one submission).

Conditions:
Radio-Tartaglia syndrome. Identifiers: Orphanet 662234, MedGen C5543339, MONDO:0859143, OMIM 619312.

Submission:

Juno Genomics, Hangzhou Juno Genomics, Inc
Classification: Uncertain significance for Radio-Tartaglia syndrome. Review status: criteria provided, single submitter. Criteria: ACMG Guidelines, 2015. Collection method: clinical testing. Allele origin: germline.
Comment: Absent from controls (or at extremely low frequency if recessive) in Genome Aggregation Database.;Missense variant in a gene that has a low rate of benign missense variation.